The following is an entry in ClinVar:

ClinVar aggregate classification (germline): Pathogenic/Likely pathogenic. Review status: criteria provided, multiple submitters, no conflicts (2 of 4 stars). 18 submissions from 18 submitters: Pathogenic (13); Likely pathogenic (1). 4 of the submissions do not count toward it. Last evaluated 2026-01-28.

Conditions:
Renal tubulopathies.
SLC12A3-related disorder. Also called: SLC12A3-related condition.
Inborn genetic diseases. Identifiers: MedGen C0950123, MeSH D030342.
Familial hypokalemia-hypomagnesemia (GTLMNS). Also called: POTASSIUM AND MAGNESIUM DEPLETION; gitelman syndrome; HYPOMAGNESEMIA-HYPOKALEMIA, PRIMARY RENOTUBULAR, WITH HYPOCALCIURIA. Identifiers: Orphanet 358, MedGen C0268450, MONDO:0009904, OMIM 263800.

Allele frequency attached by ClinVar (database versions not stated): gnomAD 0.00016 and 0.00018; gnomAD exomes 0.00016 and 0.00012; ExAC 0.00010; TOPMed 0.00011.
gnomAD v4.1: 250 of 1,613,836 alleles (0.015%); highest among the groups gnomAD compares: Admixed American, 0.053%; no homozygotes.

Submissions 1 to 10 of 18:

Labcorp Genetics (formerly Invitae), Labcorp
Classification: Pathogenic. Last evaluated: 2026-01-28. Review status: criteria provided, single submitter. Criteria: Invitae Variant Classification Sherloc (09022015). Collection method: clinical testing. Allele origin: germline.
Comment: This sequence change replaces leucine, which is neutral and non-polar, with proline, which is neutral and non-polar, at codon 859 of the SLC12A3 protein (p.Leu859Pro). This variant is present in population databases (rs121909379, gnomAD 0.04%). This missense change has been observed in individual(s) with SLC12A3-related conditions (PMID: 8528245, 19016647, 21415153, 23328711, 27582097). In at least one individual the data is consistent with being in trans (on the opposite chromosome) from a pathogenic variant. It has also been observed to segregate with disease in related individuals. This variant is also known as p.Leu850Pro. ClinVar contains an entry for this variant (Variation ID: 8584). Invitae Evidence Modeling of protein sequence and biophysical properties (such as structural, functional, and spatial information, amino acid conservation, physicochemical variation, residue mobility, and thermodynamic stability) indicates that this missense variant is expected to disrupt SLC12A3 protein function with a positive predictive value of 95%. Experimental studies have shown that this missense change affects SLC12A3 function (PMID: 27582097). For these reasons, this variant has been classified as Pathogenic.

Women's Health and Genetics/Laboratory Corporation of America, LabCorp
Classification: Pathogenic for Familial hypokalemia-hypomagnesemia. Last evaluated: 2025-10-24. Review status: criteria provided, single submitter. Criteria: LabCorp Variant Classification Summary - May 2015. Collection method: clinical testing. Allele origin: germline.
Comment: Variant summary: SLC12A3 c.2576T>C (p.Leu859Pro) results in a non-conservative amino acid change in the encoded protein sequence. Algorithms developed to predict the effect of missense changes on protein structure and function all suggest that this variant is likely to be disruptive. The variant allele was found at a frequency of 0.00012 in 251130 control chromosomes. This frequency is not significantly higher than estimated for disease-causing variants in SLC12A3, allowing no conclusion about variant significance. c.2576T>C has been observed in multiple individuals affected with Gitelman's syndrome (example: Blanchard_2019). These data indicate that the variant is very likely to be associated with disease. The following publication has been ascertained in the context of this evaluation (PMID: 31285285). ClinVar contains an entry for this variant (Variation ID: 8584). Based on the evidence outlined above, the variant was classified as pathogenic.

Natera, Inc.
Classification: Pathogenic for Gitelman syndrome. Last evaluated: 2025-10-21. Review status: criteria provided, single submitter. Criteria: Natera Variant Classification Schema (03/2026). Collection method: clinical testing. Allele origin: germline.
Comment: The c.2576T>C variant in SLC12A3 is a missense variant predicted to cause substitution of leucine to proline at amino acid 859. This variant is rare in the general population with a frequency below the threshold expected for the associated phenotype(s). This variant has been observed in one or more individuals affected with the associated recessive disease, as either homozygous or compound heterozygous with a second variant (PMID: 29398133). Computational prediction algorithms indicate this variant is likely to affect gene or protein function. Given the available evidence, this variant is classified as Pathogenic.

Genetics Laboratory, Great Ormond Street Hospital NHS Foundation Trust, North Thames Genomic Laboratory Hub
Classification: Pathogenic for Renal tubulopathies. Last evaluated: 2025-09-24. Review status: criteria provided, single submitter. Criteria: ACGS Best Practice Guidelines for Variant Classification in Rare Disease 2024 v1.2. Collection method: clinical testing. Allele origin: germline. Affected: yes.
Comment: PM2_moderate, PP3_supporting, PS3_moderate, PM3_very-strong

PreventionGenetics, part of Exact Sciences
Classification: Pathogenic for SLC12A3-related condition. Last evaluated: 2025-07-30. Review status: criteria provided, single submitter. Criteria: ACMG Guidelines, 2015. Collection method: clinical testing. Allele origin: germline.
Comment: The SLC12A3 c.2576T>C variant is predicted to result in the amino acid substitution p.Leu859Pro. This variant has been reported in the homozygous and compound heterozygous states in several individuals with Gitelman syndrome (reported as L850P in Simon et al. 1996. PubMed ID: 8528245; Supplemental tables in Vargas-Poussou et al. 2011. PubMed ID: 21415153; Berry et al. 2013. PubMed ID: 23328711). Functional studies in HEK293 cells indicated this variant results in significantly decreased NaCl cotransporter activity (Valdez-Flores et al. 2016. PubMed ID: 27582097). This variant is reported in 0.042% of alleles in individuals of Latino descent in gnomAD. This variant is interpreted as pathogenic.

Genetics Department, Catlab
Classification: Pathogenic for Familial hypokalemia-hypomagnesemia. Last evaluated: 2025-06-25. Review status: criteria provided, single submitter. Criteria: ACMG Guidelines, 2015. Collection method: clinical testing. Allele origin: germline. Affected: yes. Observed: 1 variant allele.
Comment: The c.2549T>C variant in the SLC12A3 gene has been identified multiple times in homozygous and compound heterozygous state in patients with Gitelman syndrome (PMID: 8528245‚ 18391953‚ 21415153‚ 23328711‚ 31672324) (PM3_moderate) and functional studies have shown that the change affects protein function (PMID:27582097) (PS3_strong). It is rare in gnomAD v4.1 (AF=0.00015491) (PM2_moderate) and has a REVEL score of 0.951 (PP3_strong). Moreover, the variant is located in a region with multiple described pathogenic variants (PM1_moderate). With all the available evidence, the variant is classified as pathogenic

Blueprint Genetics
Classification: Pathogenic for SLC12A3-related disorders. Last evaluated: 2024-09-11. Review status: criteria provided, single submitter. Criteria: ACMG Guidelines, 2015. Collection method: clinical testing. Allele origin: germline. Affected: yes. Observed: 5 variant alleles.

Fulgent Genetics
Classification: Pathogenic for Familial hypokalemia-hypomagnesemia. Last evaluated: 2024-03-25. Review status: criteria provided, single submitter. Criteria: ACMG Guidelines, 2015. Collection method: clinical testing. Allele origin: germline.

Victorian Clinical Genetics Services, Murdoch Childrens Research Institute
Classification: Pathogenic for Familial hypokalemia-hypomagnesemia. Last evaluated: 2023-07-17. Review status: criteria provided, single submitter. Criteria: ACMG Guidelines, 2015. Collection method: clinical testing. Allele origin: germline. Inheritance: Autosomal recessive inheritance. Affected: yes.
Comment: Based on the classification scheme VCGS_Germline_v1.3.4, this variant is classified as Pathogenic. Following criteria are met: 0102 - Loss of function is a known mechanism of disease in this gene and is associated with Gitelman syndrome (MIM#263800). (I) 0106 - This gene is associated with autosomal recessive disease. (I) 0200 - Variant is predicted to result in a missense amino acid change from leucine to proline. (I) 0251 - This variant is heterozygous. (I) 0304 - Variant is present in gnomAD (v2) <0.01 for a recessive condition (33 heterozygotes, 0 homozygotes). (SP) 0309 - An alternative amino acid change at the same position has been observed in gnomAD (v2) (p.(Leu850Ile): 1 heterozygote, 0 homozygotes). (I) 0501 - Missense variant consistently predicted to be damaging by multiple in silico tools or highly conserved with a major amino acid change. (SP) 0600 - Variant is located in the annotated SLC12 family domain (DECIPHER). (I) 0704 - Another missense variant comparable to the one identified in this case has limited previous evidence for pathogenicity. The p.(Leu850Phe) variant has been classified as likely pathogenic by one clinical diagnostic laboratory (ClinVar). (SP) 0801 - This variant has strong previous evidence of pathogenicity in unrelated individuals. This variant has been classified as likely pathogenic and pathogenic by multiple clinical diagnostic laboratories (ClinVar). This variant has also been reported with a second SLC12A3 variant in multiple individuals with a clinical diagnosis of Gitelman syndrome and classified as pathogenic (PMID: 31672324). However, it should be noted that for the majority of these individuals, the phasing of the variants is unknown (PMID: 31672324). (SP) 1208 - Inheritance information for this variant is not currently available in this individual. (I) Legend: (SP) - Supporting pathogenic, (I) - Information, (SB) - Supporting benign

GeneDx
Classification: Pathogenic. Last evaluated: 2023-03-27. Review status: criteria provided, single submitter. Criteria: GeneDx Variant Classification Process June 2021. Collection method: clinical testing. Allele origin: germline. Affected: yes.
Comment: Published functional studies demonstrate a damaging effect due to decreased expression and significantly lower activity of the sodium-chloride cotransporter (NCC) compared to wild-type, impaired NCC glycosylation, and disrupted NCC phosphorylation (Valdez-Flores et al., 2016); In silico analysis supports that this missense variant has a deleterious effect on protein structure/function; This variant is associated with the following publications: (PMID: 8528245, 19016647, 27582097, 31672324, 23328711, 21753071, 31589614, 36314956, 34604727, 35591852, 21415153)

NM_001126108.2(SLC12A3):c.2549T>C (p.Leu850Pro)

Gene: SLC12A3 (solute carrier family 12 member 3; plus strand). Cytogenetic location: 16q13.
Variant type: single nucleotide variant.
Coding change: c.2549T>C on transcript NM_001126108.2 (MANE Select); coding-DNA position 2549, T replaced by C.
Protein change: p.Leu850Pro; replaces leucine 850 with proline.
Molecular consequence: missense variant.
Genome position (GRCh38, 1-based): chr16:56,894,558, T>C. VCF-style: chr16-56894558-T-C. GRCh37 (hg19) VCF-style: chr16-56928470-T-C.
Other names: c.2576T>C, p.Leu859Pro (NM_000339.3); c.2573T>C, p.Leu858Pro (NM_001126107.2); c.2549T>C (NM_001126108.1); short protein forms L850P, L859P, L858P.
Identifiers: ClinVar variation 8584 (VCV000008584.32), dbSNP rs121909379, ClinGen allele CA250046.